The following is an entry in ClinVar:

NM_005609.4(PYGM):c.660G>A (p.Gln220=)

Gene: PYGM (glycogen phosphorylase, muscle associated; minus strand). Cytogenetic location: 11q13.1.
Variant type: single nucleotide variant.
Coding change: c.660G>A on transcript NM_005609.4 (MANE Select); coding-DNA position 660, G replaced by A.
Protein change: p.Gln220=; no amino-acid change (glutamine 220 retained).
Molecular consequence: synonymous variant.
Genome position (GRCh38, 1-based): chr11:64,757,779, C>T on the plus strand (G>A on the coding strand, the complement: PYGM is on the minus strand). VCF-style: chr11-64757779-C-T. GRCh37 (hg19) VCF-style: chr11-64525251-C-T.
Other names: c.396G>A, p.Gln132= (NM_001164716.1).
Identifiers: ClinVar variation 197777 (VCV000197777.87), dbSNP rs142234258, ClinGen allele CA246105.

ClinVar aggregate classification (germline): Conflicting classifications of pathogenicity. Review status: criteria provided, conflicting classifications (1 of 4 stars). 20 submissions from 20 submitters: Pathogenic (1); Likely pathogenic (2); Uncertain significance (10); Benign (1); Likely benign (1). 5 of the submissions do not count toward it. Last evaluated 2026-06-09.

Conditions:
PYGM-related disorder. Also called: PYGM-related condition.
Glycogen storage disease, type V (GSD5). Also called: McArdle type glycogen storage disease; MCARDLE DISEASE; MUSCLE GLYCOGEN PHOSPHORYLASE DEFICIENCY; MYOPHOSPHORYLASE DEFICIENCY; PYGM DEFICIENCY. Identifiers: Orphanet 368, MedGen C0017924, MONDO:0009293, OMIM 232600.
Tip-toe gait. Also called: Toe walking. Identifiers: MedGen C0427144, HP:0030051.

Allele frequency attached by ClinVar (database versions not stated): gnomAD 0.00161 and 0.00186; TOPMed 0.00185; ExAC 0.00203; gnomAD exomes 0.00209 and 0.00260; ESP Exome Variant Server 0.00239; 1000 Genomes Project 0.00240; 1000 Genomes Project 30x 0.00281.
gnomAD v4.1: 4,066 of 1,614,170 alleles (0.25%); highest among the groups gnomAD compares: South Asian, 0.67%; 8 homozygotes.

Submissions 1 to 10 of 22:

Women's Health and Genetics/Laboratory Corporation of America, LabCorp
Classification: Uncertain significance. Last evaluated: 2026-06-09. Review status: criteria provided, single submitter. Criteria: LabCorp Variant Classification Summary - May 2015. Collection method: clinical testing. Allele origin: germline.
Comment: Variant summary: PYGM c.660G>A (p.Gln220Gln) alters a conserved nucleotide located close to a canonical splice site and therefore could affect mRNA splicing, leading to a significantly altered protein sequence. Several computational tools predict a significant impact on normal splicing: Four predict the variant weakens a 5' donor site. A recent publication reported experimental evidence that this variant affects mRNA splicing, demonstrating in-frame exon 5 skipping and out-of-frame exon 4-5 skipping, from whole blood derived RNA samples that were isolated from heterozygous carriers, however, the degree of mis-splicing (i.e. whether complete or partial) was not specified (Bournazos_2022). The variant allele was found at a frequency of 0.0021 in 251172 control chromosomes, predominantly at a frequency of 0.0061 within the South Asian subpopulation in the gnomAD database. The observed variant frequency within South Asian control individuals in the gnomAD database exceeds the estimated maximal expected allele frequency for disease-causing variants in PYGM. c.660G>A has been observed in individuals affected with Glycogen Storage Disease, Type V (McArdle disease) (Zoccolella_2015, Inal-Gultekin_2017); however, in two of these reported patients who were from the same family, two co-occurring pathogenic variants were also present (although the phase was not specified), thus potentially explaining the phenotype (Inal-Gultekin_2017). Additionally, the variant was reported in a case of Limb-girdle muscular dystrophy in the homozygous state (Barbosa-Gouveia_2022) and a case of metabolic disease in the heterozgous state (Abolhassani_2024). These data do not allow any conclusion about variant significance. The following publications have been ascertained in the context of this evaluation (PMID: 38374194, 35628876, 34906502, 28967462, 25987006). ClinVar contains an entry for this variant (Variation ID: 197777). Based on the evidence outlined above, the variant was classified as uncertain significance.

CeGaT Center for Human Genetics Tuebingen
Classification: Uncertain significance. Last evaluated: 2026-05-01. Review status: criteria provided, single submitter. Criteria: CeGaT Center For Human Genetics Tuebingen Variant Classification Criteria Version 2. Collection method: clinical testing. Allele origin: germline. Affected: yes. Observed: 11 variant alleles.
Comment: PYGM: PP3, PS3:Supporting

Labcorp Genetics (formerly Invitae), Labcorp
Classification: Benign for Glycogen storage disease, type V. Last evaluated: 2026-02-04. Review status: criteria provided, single submitter. Criteria: Invitae Variant Classification Sherloc (09022015). Collection method: clinical testing. Allele origin: germline.

Dasa
Classification: Uncertain significance. Last evaluated: 2025-04-29. Review status: criteria provided, single submitter. Criteria: DASA Assertion Criteria. Collection method: clinical testing. Allele origin: germline.
Comment: NM_005609.4(PYGM):c.660G>A (p.Gln220=) is a synonymous variant predicted not to alter the encoded amino acid sequence. This variant has been recurrently observed in individuals with PYGM-related disorders (PMID: 25987006; PMID: 35628876; PMID: 38374194). Functional evidence supports an impact on the gene or gene product. Also, this variant is rare in population databases. Computational prediction algorithms are consistent with a deleterious effect. The currently available literature and clinical evidence are not sufficient to establish a definitive association between this variant and the reported condition. Therefore, this variant is classified as a variant of uncertain significance.

GeneDx
Classification: Uncertain significance. Last evaluated: 2025-03-04. Review status: criteria provided, single submitter. Criteria: GeneDx Variant Classification Process June 2021. Collection method: clinical testing. Allele origin: germline. Affected: yes.
Comment: Published functional studies indicate this variant leads to aberrant splicing, demonstrating a damaging effect (PMID: 34906502); In silico analysis supports a deleterious effect on splicing; This variant is associated with the following publications: (PMID: 25914343, 28967462, 34426522, 25987006, 34906502, 35628876)

Blueprint Genetics
Classification: Uncertain significance. Last evaluated: 2024-11-27. Review status: criteria provided, single submitter. Criteria: ACMG Guidelines, 2015. Collection method: clinical testing. Allele origin: germline.

Fulgent Genetics
Classification: Uncertain significance for Glycogen storage disease, type V. Last evaluated: 2024-04-05. Review status: criteria provided, single submitter. Criteria: ACMG Guidelines, 2015. Collection method: clinical testing. Allele origin: germline.

Illumina Laboratory Services, Illumina
Classification: Uncertain significance for Glycogen storage disease, type V. Last evaluated: 2023-12-12. Review status: criteria provided, single submitter. Criteria: ISL SNV Classification Criteria 03 February 2026. Collection method: clinical testing. Allele origin: unknown.
Comment: The PYGM c.660G>A p.(Gln220) synonymous variant has been reported in a compound heterozygous state with variants predicted to result in an absent gene product in two unrelated individuals with McArdle disease (PMID: 25987006; 28967462). PCR-based RNA testing demonstrated that the variant impacts splicing (PMID: 34906502). The highest frequency of this allele in the Genome Aggregation Database is 0.006675 in the South Asian population (version 4.0.0), with eight homozygotes in the Total population. This frequency is high but may be consistent with the p.(Gln220) variant acting as a hypomorphic allele. Based on the available evidence, the c.660G>A p.(Gln220) variant is classified as a variant of uncertain significance for glycogen storage disease type V.

Institute of Human Genetics, Clinical Exome/Genome Diagnostics Group, University Hospital Bonn
Classification: Likely pathogenic for Glycogen storage disease, type V. Last evaluated: 2023-02-01. Review status: criteria provided, single submitter. Criteria: ACMG Guidelines, 2015. Collection method: clinical testing. Allele origin: germline. Affected: yes.

Practice for Gait Abnormalities, David Pomarino, Competency Network Toe Walking C/o Practice Pomarino
Classification: Pathogenic for Tip-toe gait. Last evaluated: 2021-12-14. Review status: criteria provided, single submitter. Criteria: ACMG Guidelines, 2015. Collection method: clinical testing. Allele origin: unknown. Affected: yes.
Comment: The Gln220= variant in PYGM does not lead to an amino acid exchange in the protein, but according to calculations by the prediction program varSEAK it could very likely lead to the generation of a new cryptic 5' donor splice site that would change the splice mechanism in intron 5. The variant was described in combination with another PYGM variant in a case report in a patient with symptoms of McArdle disease and multiple sclerosis [Zoccolella(2015) Neurol Sci 36(9):1721-3]. Toe Walking has various causes, ranging from idiopathic or habitual reasons to an underlying neuromuscular disease. The most observed form of toe walking is idiopathic toe walking (ITW) - a diagnosis of exclusion. ITW occurs in about 5% of children after their second birthday and is a common problem in pediatric orthopedics. In about 70% of these cases, there is spontaneous remission within six months of the onset of ITW. If the toe walk persists, one can assume the presence of a non-idiopathic form of toe walk (n-ITW). In n-ITW, the causes of the abnormal gait are neurological or myogenic. Differential diagnoses such as infantile cerebral palsy, muscular dystrophy, spinal amyotrophy and hereditary motor-sensory neuropathy as well as rare metabolic disorders of the musculature must be considered (Pomarino et al., 2018). In our clinical ITW consultation, we screen children with n-ITW for a genetic form of tiptoe gait using next generation sequencing for gene variants in 49 genes. These are genes in which gene variants can lead to neuromuscular diseases in which an association with toe-tapping gait has been reported or can be suspected due to patients’ clinical symptoms. To the best of our knowledge, this is the first study in which several patients with toe walking displayed heterozygosity for pathogenic or likely pathogenic PYGM mutations and mild symptoms of the metabolic muscle disease McArdle. The findings of our research are in line with recently published observations in heterozygous family members patients with McArdle disease. We should mention that some of the patients in our cohort harbored heterozygous variants in other genes of our gene panel. However, the numbers in this study were too small to workout any resulting combined genetic effects. It is concluded that genetic conditions can contribute to the development of toe walking. Apparently, even a slight genetic weakening of the muscles can lead to changes to the gait pattern. Future studies must show how the pathomechanism can be explained for the PYGM variants and whether there are new therapeutic approaches to be developed based on this research.